The following is an entry in ClinVar:

NM_000553.6(WRN):c.2609C>T (p.Pro870Leu)

Gene: WRN (WRN RecQ like helicase; plus strand). Cytogenetic location: 8p12.
Variant type: single nucleotide variant.
Coding change: c.2609C>T on transcript NM_000553.6 (MANE Select); coding-DNA position 2609, C replaced by T.
Protein change: p.Pro870Leu; replaces proline 870 with leucine.
Molecular consequence: missense variant.
Genome position (GRCh38, 1-based): chr8:31,120,403, C>T. VCF-style: chr8-31120403-C-T. GRCh37 (hg19) VCF-style: chr8-30977919-C-T.
Other names: short protein forms P870L.
Identifiers: ClinVar variation 2041212 (VCV002041212.5), dbSNP rs188554751, ClinGen allele CA4704785.

ClinVar aggregate classification (germline): Uncertain significance. Review status: criteria provided, multiple submitters, no conflicts (2 of 4 stars). 2 submissions from 2 submitters: Uncertain significance (2). Last evaluated 2025-09-02.

Conditions:
Werner syndrome (WRN). Identifiers: Orphanet 902, MedGen C0043119, MONDO:0010196, OMIM 277700.

Allele frequency attached by ClinVar (database versions not stated): gnomAD exomes below 0.00001; gnomAD 0.00001; ExAC 0.00002; 1000 Genomes Project 30x 0.00016; 1000 Genomes Project 0.00020.
gnomAD v4.1: 4 of 1,612,506 alleles (0.00025%); highest among the groups gnomAD compares: African/African-American, 0.004%; no homozygotes.

Submissions (2):

Labcorp Genetics (formerly Invitae), Labcorp
Classification: Uncertain significance for Werner syndrome. Last evaluated: 2025-09-02. Review status: criteria provided, single submitter. Criteria: Invitae Variant Classification Sherloc (09022015). Collection method: clinical testing. Allele origin: germline.
Comment: This sequence change replaces proline, which is neutral and non-polar, with leucine, which is neutral and non-polar, at codon 870 of the WRN protein (p.Pro870Leu). This variant is present in population databases (rs188554751, gnomAD 0.007%). This variant has not been reported in the literature in individuals affected with WRN-related conditions. ClinVar contains an entry for this variant (Variation ID: 2041212). An algorithm developed to predict the effect of missense changes on protein structure and function (PolyPhen-2) suggests that this variant is likely to be disruptive. In summary, the available evidence is currently insufficient to determine the role of this variant in disease. Therefore, it has been classified as a Variant of Uncertain Significance.

Blueprint Genetics
Classification: Uncertain significance. Last evaluated: 2024-11-01. Review status: criteria provided, single submitter. Criteria: ACMG Guidelines, 2015. Collection method: clinical testing. Allele origin: germline.